The following is an entry in ClinVar:

ClinVar aggregate classification (germline): Pathogenic (1 of 4 stars; one submission).

Conditions:
Microcephaly, normal intelligence and immunodeficiency (NBS). Also called: BERLIN BREAKAGE SYNDROME; IMMUNODEFICIENCY, MICROCEPHALY, AND CHROMOSOMAL INSTABILITY; SEEMANOVA SYNDROME II; Immunodeficiency, microcephaly with normal intelligence; Ataxia telangiectasia variant V1; Nijmegen breakage syndrome. Identifiers: Orphanet 647, MedGen C0398791, MONDO:0009623, OMIM 251260.

Submission:

Labcorp Genetics (formerly Invitae), Labcorp
Classification: Pathogenic for Microcephaly, normal intelligence and immunodeficiency. Last evaluated: 2023-01-16. Review status: criteria provided, single submitter. Criteria: Invitae Variant Classification Sherloc (09022015). Collection method: clinical testing. Allele origin: germline.
Comment: For these reasons, this variant has been classified as Pathogenic. This variant has not been reported in the literature in individuals affected with NBN-related conditions. This variant is not present in population databases (gnomAD no frequency). This sequence change creates a premature translational stop signal (p.Gln565Valfs*12) in the NBN gene. It is expected to result in an absent or disrupted protein product. Loss-of-function variants in NBN are known to be pathogenic (PMID: 9590180, 16415040).

Literature cited by the submitters: PubMed 9590180; PubMed 16415040.

NM_002485.5(NBN):c.1693_1694del (p.Gln565fs)

Gene: NBN (nibrin; minus strand). Cytogenetic location: 8q21.3.
Variant type: Deletion.
Coding change: c.1693_1694del on transcript NM_002485.5 (MANE Select); coding-DNA positions 1693 to 1694, 2 bases deleted (CA; older notation c.1693_1694delCA).
Protein change: p.Gln565fs; shifts the reading frame from glutamine 565.
Molecular consequence: frameshift variant.
Genome position (GRCh38, 1-based): chr8:89,953,395-89,953,396, TG deleted on the plus strand (CA on the coding strand, the reverse complement: NBN is on the minus strand); deleting any 2 consecutive bases within chr8:89,953,395-89,953,397 gives the same sequence; the c. name uses the placement nearest the transcript's 3' end. VCF-style (leftmost placement, unchanged base first): chr8-89953394-CTG-C. GRCh37 (hg19) VCF-style: chr8-90965622-CTG-C.
Other names: c.1447_1448del, p.Gln483fs (NM_001024688.3); short protein forms Q565fs, Q483fs.
Identifiers: ClinVar variation 2740500 (VCV002740500.3), dbSNP rs2488230283, ClinGen allele CA2697549993.